The following is an entry in ClinVar:

NM_015021.3(ZNF292):c.189G>C (p.Glu63Asp)

Gene: ZNF292 (zinc finger protein 292; plus strand). Cytogenetic location: 6q14.3.
Variant type: single nucleotide variant.
Coding change: c.189G>C on transcript NM_015021.3 (MANE Select); coding-DNA position 189, G replaced by C.
Protein change: p.Glu63Asp; replaces glutamic acid 63 with aspartic acid.
Molecular consequence: missense variant. On other transcripts: 5 prime UTR variant (1).
Genome position (GRCh38, 1-based): chr6:87,215,923, G>C. VCF-style: chr6-87215923-G-C. GRCh37 (hg19) VCF-style: chr6-87925641-G-C.
Other names: c.-232G>C (NM_001351444.2); short protein forms E63D.
Identifiers: ClinVar variation 2656735 (VCV002656735.24), dbSNP rs2482017974, ClinGen allele CA364918269.

ClinVar aggregate classification (germline): Uncertain significance (1 of 4 stars; one submission).

gnomAD v4.1: 2 of 1,598,914 alleles (0.00013%); highest among the groups gnomAD compares: Non-Finnish European, 0.00017%; no homozygotes.

Submission:

CeGaT Center for Human Genetics Tuebingen
Classification: Uncertain significance. Last evaluated: 2022-08-01. Review status: criteria provided, single submitter. Criteria: CeGaT Center For Human Genetics Tuebingen Variant Classification Criteria Version 2. Collection method: clinical testing. Allele origin: germline. Affected: yes. Observed: 1 variant allele.
Comment: ZNF292: PM2